The following is an entry in ClinVar:

NM_002519.3(NPAT):c.3977A>T (p.Asn1326Ile)

Gene: NPAT (nuclear protein, coactivator of histone transcription; minus strand). Cytogenetic location: 11q22.3.
Variant type: single nucleotide variant.
Coding change: c.3977A>T on transcript NM_002519.3 (MANE Select); coding-DNA position 3977, A replaced by T.
Protein change: p.Asn1326Ile; replaces asparagine 1326 with isoleucine.
Molecular consequence: missense variant.
Genome position (GRCh38, 1-based): chr11:108,161,109, T>A on the plus strand (A>T on the coding strand, the complement: NPAT is on the minus strand). VCF-style: chr11-108161109-T-A. GRCh37 (hg19) VCF-style: chr11-108031836-T-A.
Other names: c.3998A>T, p.Asn1333Ile (NM_001321307.1); short protein forms N1326I, N1333I.
Identifiers: ClinVar variation 3222610 (VCV003222610.1), dbSNP rs2496693804, ClinGen allele CA382509630.

ClinVar aggregate classification (germline): Uncertain significance (1 of 4 stars; one submission).

Submission:

Ambry Genetics
Classification: Uncertain significance. Last evaluated: 2023-12-29. Review status: criteria provided, single submitter. Criteria: Ambry Variant Classification Scheme 2023. Collection method: clinical testing. Allele origin: germline.
Comment: The p.N1326I variant (also known as c.3977A>T), located in coding exon 17 of the NPAT gene, results from an A to T substitution at nucleotide position 3977. The asparagine at codon 1326 is replaced by isoleucine, an amino acid with dissimilar properties. This amino acid position is conserved. In addition, this alteration is predicted to be tolerated by in silico analysis. Since supporting evidence is limited at this time, the clinical significance of this alteration remains unclear.